The following is an entry in ClinVar:

NM_000257.4(MYH7):c.1317G>A (p.Met439Ile)

Gene: MYH7 (myosin heavy chain 7; minus strand). Cytogenetic location: 14q11.2.
Variant type: single nucleotide variant.
Coding change: c.1317G>A on transcript NM_000257.4 (MANE Select); coding-DNA position 1317, G replaced by A.
Protein change: p.Met439Ile; replaces methionine 439 with isoleucine.
Molecular consequence: missense variant.
Genome position (GRCh38, 1-based): chr14:23,429,045, C>T on the plus strand (G>A on the coding strand, the complement: MYH7 is on the minus strand). VCF-style: chr14-23429045-C-T. GRCh37 (hg19) VCF-style: chr14-23898254-C-T.
Other names: c.1317G>A, p.Met439Ile (NM_001407004.1); short protein forms M439I.
Identifiers: ClinVar variation 3072888 (VCV003072888.1), dbSNP rs2502302236, ClinGen allele CA389050874.

ClinVar aggregate classification (germline): Uncertain significance (1 of 4 stars; one submission).

Conditions:
Cardiomyopathy (CMYO). Also called: Cardiomyopathies. Identifiers: Orphanet 167848, MedGen C0878544, MONDO:0004994, HP:0001638. Inheritance: Various modes of inheritance.

Submission:

All of Us Research Program, National Institutes of Health
Classification: Uncertain significance for Cardiomyopathy. Last evaluated: 2023-08-15. Review status: criteria provided, single submitter. Criteria: ACMG Guidelines, 2015. Collection method: clinical testing. Allele origin: germline. Inheritance: Autosomal dominant inheritance. Observed: 1 variant allele, 1 heterozygote.
Comment: This missense variant replaces methionine with isoleucine at codon 439 of the MYH7 protein. Computational prediction is inconclusive regarding the impact of this variant on protein structure and function (internally defined REVEL score threshold 0.5 < inconclusive < 0.7, PMID: 27666373). To our knowledge, functional studies have not been reported for this variant. This variant has not been reported in individuals affected with MYH7-related disorders in the literature. This variant has not been identified in the general population by the Genome Aggregation Database (gnomAD). The available evidence is insufficient to determine the role of this variant in disease conclusively. Therefore, this variant is classified as a Variant of Uncertain Significance.

This study involves interpretation of variants in research participants for the purpose of population health screening. Participant phenotype was not available at the time of variant classification. Additional details can be found in publication PMID: 35346344, PMCID: PMC8962531